The following is an entry in ClinVar:

ClinVar aggregate classification (germline): Uncertain significance (1 of 4 stars; one submission).

gnomAD v4.1: 1 of 1,600,156 alleles (0.000062%); highest among the groups gnomAD compares: Non-Finnish European, 0.000085%; no homozygotes.

Submission:

Labcorp Genetics (formerly Invitae), Labcorp
Classification: Uncertain significance. Last evaluated: 2024-07-31. Review status: criteria provided, single submitter. Criteria: Invitae Variant Classification Sherloc (09022015). Collection method: clinical testing. Allele origin: germline.
Comment: This sequence change replaces cysteine, which is neutral and slightly polar, with serine, which is neutral and polar, at codon 50 of the LMX1B protein (p.Cys50Ser). This variant is not present in population databases (gnomAD no frequency). This variant has not been reported in the literature in individuals affected with LMX1B-related conditions. Advanced modeling of protein sequence and biophysical properties (such as structural, functional, and spatial information, amino acid conservation, physicochemical variation, residue mobility, and thermodynamic stability) performed at Invitae indicates that this missense variant is not expected to disrupt LMX1B protein function with a negative predictive value of 80%. In summary, the available evidence is currently insufficient to determine the role of this variant in disease. Therefore, it has been classified as a Variant of Uncertain Significance.

NM_001174147.2(LMX1B):c.149G>C (p.Cys50Ser)

Gene: LMX1B (LIM homeobox transcription factor 1 beta; plus strand). Cytogenetic location: 9q33.3.
Variant type: single nucleotide variant.
Coding change: c.149G>C on transcript NM_001174147.2 (MANE Select); coding-DNA position 149, G replaced by C.
Protein change: p.Cys50Ser; replaces cysteine 50 with serine.
Molecular consequence: missense variant.
Genome position (GRCh38, 1-based): chr9:126,615,392, G>C. VCF-style: chr9-126615392-G-C. GRCh37 (hg19) VCF-style: chr9-129377671-G-C.
Other names: c.149G>C, p.Cys50Ser (NM_001174146.2, NM_002316.4); short protein forms C50S.
Identifiers: ClinVar variation 3660992 (VCV003660992.2).